The following is an entry in ClinVar:

NM_001018005.2(TPM1):c.524A>G (p.Asp175Gly)

Gene: TPM1 (tropomyosin 1; plus strand). Cytogenetic location: 15q22.2.
Variant type: single nucleotide variant.
Coding change: c.524A>G on transcript NM_001018005.2 (MANE Select); coding-DNA position 524, A replaced by G.
Protein change: p.Asp175Gly; replaces aspartic acid 175 with glycine.
Molecular consequence: missense variant.
Genome position (GRCh38, 1-based): chr15:63,060,900, A>G. VCF-style: chr15-63060900-A-G. GRCh37 (hg19) VCF-style: chr15-63353099-A-G.
Other names: c.524A>G, p.Asp175Gly (NM_000366.6, NM_001018004.2, NM_001018006.2 and 6 more transcripts); c.416A>G, p.Asp139Gly (NM_001018008.2, NM_001301289.2, NM_001330344.2 and 5 more transcripts); c.650A>G, p.Asp217Gly (NM_001365778.1); short protein forms D175G, D139G, D217G.
Identifiers: ClinVar variation 264053 (VCV000264053.5), dbSNP rs886039024, ClinGen allele CA10587867.
Genomic context (GRCh38, chr15:63,060,900, plus strand): 5'-GGTGTGTGTGTTGTGTCTTCCTGCTGCAGGTGGCCCGTAAGCTGGTCATCATTGAGAGCG[A>G]CCTGGAACGTGCAGAGGAGCGGGCTGAGCTCTCAGAAGGGTAAGCGGGCCCGGCGCCAGG-3'
Protein context (NP_001018005.1, residues 165-185): VARKLVIIES[Asp175Gly]LERAEERAEL

ClinVar aggregate classification (germline): Uncertain significance (1 of 4 stars; one submission).

Conditions:
Cardiovascular phenotype. Identifiers: MedGen CN230736.

Submission:

Ambry Genetics
Classification: Uncertain significance for Cardiovascular phenotype. Last evaluated: 2015-05-12. Review status: criteria provided, single submitter. Criteria: Ambry Variant Classification Scheme 2023. Collection method: clinical testing. Allele origin: germline.
Comment: The p.D175G variant (also known as c.524A>G), located in coding exon 5 of the TPM1 gene, results from an A to G substitution at nucleotide position 524. The aspartic acid at codon 175 is replaced by glycine, an amino acid with some similar properties. Another alteration at the same codon, p.D175N (c.523G>A), is a well-recognized disease-causing mutation that is common in Finnish patients with HCM (J&auml;&auml;skel&auml;inen et al 2014). The p.D175G variant was not reported in population based cohorts in the following databases: Database of Single Nucleotide Polymorphisms (dbSNP), NHLBI Exome Sequencing Project (ESP), and 1000 Genomes Project. In the ESP, this variant was not observed in 6,503 samples (13,006 alleles) with coverage at this position. This amino acid position is conserved in available vertebrate species, except for two fish species. In addition, this alteration is predicted to be deleterious by in silico analysis. Since supporting evidence is limited at this time, the clinical significance of this variant remains unclear.

Literature cited by the submitters: PubMed 24888384.